The following is an entry in ClinVar:

NC_000017.10:g.(17125976_17127235)_(17127458_17129489)dup

Gene: FLCN (folliculin; minus strand). Cytogenetic location: 17p11.2.
Variant type: Duplication.
Identifiers: ClinVar variation 3896454 (VCV003896454.2).

ClinVar aggregate classification (germline): Uncertain significance (1 of 4 stars; one submission).

Submission:

Women's Health and Genetics/Laboratory Corporation of America, LabCorp
Classification: Uncertain significance. Last evaluated: 2025-04-07. Review status: criteria provided, single submitter. Criteria: LabCorp Variant Classification Summary - May 2015. Collection method: clinical testing. Allele origin: germline.
Comment: Variant summary: The variant involves the duplication of exon 6 in the FLCN gene. A presumed nomenclature of c.(396+1_397-1)_(618+1_619-1)dup has been designated for the purposes of this classification. It is assumed to be a tandem duplication in direct orientation (PMIDs: 25640679, 30054569). This Copy Number Variant (CNV) is predicted to result in an in-frame duplication within this gene. The variant was absent in 120750 control chromosomes in the gnomAD database (Structural Variants v4.1 dataset). The available data on variant occurrences in the general population are insufficient to allow any conclusion about variant significance. To our knowledge, no occurrence of c.(396+1_397-1)_(618+1_619-1)dup in individuals affected with Birt-Hogg-Dube Syndrome and no experimental evidence demonstrating its impact on protein function have been reported. ClinVar contains an entry for this variant (Variation ID: 1449742). Based on the evidence outlined above, the variant was classified as uncertain significance.